The following is an entry in ClinVar:

NM_002335.4(LRP5):c.2239C>G (p.Leu747Val)

Gene: LRP5 (LDL receptor related protein 5; plus strand). Cytogenetic location: 11q13.2.
Variant type: single nucleotide variant.
Coding change: c.2239C>G on transcript NM_002335.4 (MANE Select); coding-DNA position 2239, C replaced by G.
Protein change: p.Leu747Val; replaces leucine 747 with valine.
Molecular consequence: missense variant.
Genome position (GRCh38, 1-based): chr11:68,410,061, C>G. VCF-style: chr11-68410061-C-G. GRCh37 (hg19) VCF-style: chr11-68177529-C-G.
Other names: c.496C>G, p.Leu166Val (NM_001291902.2); short protein forms L166V, L747V.
Identifiers: ClinVar variation 1481394 (VCV001481394.8), dbSNP rs2098658563, ClinGen allele CA381616575.

ClinVar aggregate classification (germline): Uncertain significance (1 of 4 stars; one submission).

Submission:

Labcorp Genetics (formerly Invitae), Labcorp
Classification: Uncertain significance. Last evaluated: 2021-08-05. Review status: criteria provided, single submitter. Criteria: Invitae Variant Classification Sherloc (09022015). Collection method: clinical testing. Allele origin: germline.
Comment: In summary, the available evidence is currently insufficient to determine the role of this variant in disease. Therefore, it has been classified as a Variant of Uncertain Significance. Algorithms developed to predict the effect of missense changes on protein structure and function (SIFT, PolyPhen-2, Align-GVGD) all suggest that this variant is likely to be disruptive, but these predictions have not been confirmed by published functional studies and their clinical significance is uncertain. This variant has not been reported in the literature in individuals with LRP5-related conditions. This variant is not present in population databases (ExAC no frequency). This sequence change replaces leucine with valine at codon 747 of the LRP5 protein (p.Leu747Val). The leucine residue is highly conserved and there is a small physicochemical difference between leucine and valine.